The following is an entry in ClinVar:

ClinVar aggregate classification (germline): Likely benign (1 of 4 stars; one submission).

Submission:

CeGaT Center for Human Genetics Tuebingen
Classification: Likely benign. Last evaluated: 2023-03-01. Review status: criteria provided, single submitter. Criteria: CeGaT Center For Human Genetics Tuebingen Variant Classification Criteria Version 2. Collection method: clinical testing. Allele origin: germline. Affected: yes. Observed: 1 variant allele.
Comment: GRIN2B: PM2:Supporting, BP4, BP7

NM_000834.5(GRIN2B):c.1479C>T (p.Thr493=)

Gene: GRIN2B (glutamate ionotropic receptor NMDA type subunit 2B; minus strand). Cytogenetic location: 12p13.1.
Variant type: single nucleotide variant.
Coding change: c.1479C>T on transcript NM_000834.5 (MANE Select); coding-DNA position 1479, C replaced by T.
Protein change: p.Thr493=; no amino-acid change (threonine 493 retained).
Molecular consequence: synonymous variant.
Genome position (GRCh38, 1-based): chr12:13,615,514, G>A on the plus strand (C>T on the coding strand, the complement: GRIN2B is on the minus strand). VCF-style: chr12-13615514-G-A. GRCh37 (hg19) VCF-style: chr12-13768448-G-A.
Other names: c.1479C>T, p.Thr493= (NM_001413992.1).
Identifiers: ClinVar variation 2642750 (VCV002642750.24), dbSNP rs202139349, ClinGen allele CA478773377.